The following is an entry in ClinVar:

NM_001385641.1(SAMD11):c.2072C>T (p.Ser691Phe)

Genes: SAMD11 (sterile alpha motif domain containing 11; plus strand), LOC129929063 (ATAC-STARR-seq lymphoblastoid active region 4; plus strand). Cytogenetic location: 1p36.33.
Variant type: single nucleotide variant.
Coding change: c.2072C>T on transcript NM_001385641.1 (MANE Select); coding-DNA position 2072, C replaced by T.
Protein change: p.Ser691Phe; replaces serine 691 with phenylalanine.
Molecular consequence: missense variant.
Genome position (GRCh38, 1-based): chr1:943,271, C>T. VCF-style: chr1-943271-C-T. GRCh37 (hg19) VCF-style: chr1-878651-C-T.
Other names: c.2075C>T, p.Ser692Phe (NM_001385640.1); c.1583C>T, p.Ser528Phe (NM_152486.4); c.1583C>T (NM_152486.2); short protein forms S528F, S691F, S692F.
Identifiers: ClinVar variation 1014818 (VCV001014818.10), dbSNP rs899747870, ClinGen allele CA337814955.

ClinVar aggregate classification (germline): Conflicting classifications of pathogenicity. Review status: criteria provided, conflicting classifications (1 of 4 stars). 2 submissions from 2 submitters: Uncertain significance (1); Likely benign (1). Last evaluated 2023-12-08.

Allele frequency attached by ClinVar (database versions not stated): gnomAD exomes below 0.00001; gnomAD 0.00001; TOPMed 0.00002.
gnomAD v4.1: 4 of 1,612,726 alleles (0.00025%); highest among the groups gnomAD compares: Non-Finnish European, 0.00034%; no homozygotes.

Submissions (2):

Ambry Genetics
Classification: Likely benign. Last evaluated: 2023-12-08. Review status: criteria provided, single submitter. Criteria: Ambry Variant Classification Scheme 2023. Collection method: clinical testing. Allele origin: germline.

Labcorp Genetics (formerly Invitae), Labcorp
Classification: Uncertain significance. Last evaluated: 2020-05-20. Review status: criteria provided, single submitter. Criteria: Invitae Variant Classification Sherloc (09022015). Collection method: clinical testing. Allele origin: germline.
Comment: In summary, the available evidence is currently insufficient to determine the role of this variant in disease. Therefore, it has been classified as a Variant of Uncertain Significance. Algorithms developed to predict the effect of missense changes on protein structure and function output the following: SIFT: "Tolerated"; PolyPhen-2: "Benign"; Align-GVGD: "Class C0". The phenylalanine amino acid residue is found in multiple mammalian species, suggesting that this missense change does not adversely affect protein function. These predictions have not been confirmed by published functional studies and their clinical significance is uncertain. This variant has not been reported in the literature in individuals with SAMD11-related conditions. This variant is not present in population databases (ExAC no frequency). This sequence change replaces serine with phenylalanine at codon 528 of the SAMD11 protein (p.Ser528Phe). The serine residue is weakly conserved and there is a large physicochemical difference between serine and phenylalanine.